The following is an entry in ClinVar:

NM_000094.4(COL7A1):c.1844G>C (p.Arg615Thr)

Gene: COL7A1 (collagen type VII alpha 1 chain; minus strand). Cytogenetic location: 3p21.31.
Variant type: single nucleotide variant.
Coding change: c.1844G>C on transcript NM_000094.4 (MANE Select); coding-DNA position 1844, G replaced by C.
Protein change: p.Arg615Thr; replaces arginine 615 with threonine.
Molecular consequence: missense variant.
Genome position (GRCh38, 1-based): chr3:48,590,521, C>G on the plus strand (G>C on the coding strand, the complement: COL7A1 is on the minus strand). VCF-style: chr3-48590521-C-G. GRCh37 (hg19) VCF-style: chr3-48627954-C-G.
Other names: short protein forms R615T.
Identifiers: ClinVar variation 2016691 (VCV002016691.1), dbSNP rs2045617671, ClinGen allele CA352728381.

ClinVar aggregate classification (germline): Uncertain significance (1 of 4 stars; one submission).

Submission:

Labcorp Genetics (formerly Invitae), Labcorp
Classification: Uncertain significance. Last evaluated: 2022-07-13. Review status: criteria provided, single submitter. Criteria: Invitae Variant Classification Sherloc (09022015). Collection method: clinical testing. Allele origin: germline.
Comment: This sequence change replaces arginine, which is basic and polar, with threonine, which is neutral and polar, at codon 615 of the COL7A1 protein (p.Arg615Thr). This variant is not present in population databases (gnomAD no frequency). This variant has not been reported in the literature in individuals affected with COL7A1-related conditions. Algorithms developed to predict the effect of missense changes on protein structure and function are either unavailable or do not agree on the potential impact of this missense change (SIFT: "Tolerated"; PolyPhen-2: "Not Available"; Align-GVGD: "Class C0"). In summary, the available evidence is currently insufficient to determine the role of this variant in disease. Therefore, it has been classified as a Variant of Uncertain Significance.